The following is an entry in ClinVar:

ClinVar aggregate classification (germline): Uncertain significance (1 of 4 stars; one submission).

Conditions:
Marfan syndrome (MFS). Also called: MARFAN SYNDROME, TYPE I; Marfan syndrome type 1; Marfan's syndrome; FBN1-Related Marfan Syndrome; Marfan syndrome, classic. Identifiers: Orphanet 284963, Orphanet 558, MedGen C0024796, MONDO:0007947, OMIM 154700.

Submission:

All of Us Research Program, National Institutes of Health
Classification: Uncertain significance for Marfan syndrome. Last evaluated: 2024-03-05. Review status: criteria provided, single submitter. Criteria: ACMG Guidelines, 2015. Collection method: clinical testing. Allele origin: germline. Inheritance: Autosomal dominant inheritance. Observed: 1 variant allele, 1 heterozygote.
Comment: This study involves interpretation of variants in research participants for the purpose of population health screening. Participant phenotype was not available at the time of variant classification. Additional details can be found in publication PMID: 35346344, PMCID: PMC8962531

NM_000138.5(FBN1):c.7360C>T (p.Pro2454Ser)

Gene: FBN1 (fibrillin 1; minus strand). Cytogenetic location: 15q21.1.
Variant type: single nucleotide variant.
Coding change: c.7360C>T on transcript NM_000138.5 (MANE Select); coding-DNA position 7360, C replaced by T.
Protein change: p.Pro2454Ser; replaces proline 2454 with serine.
Molecular consequence: missense variant.
Genome position (GRCh38, 1-based): chr15:48,425,462, G>A on the plus strand (C>T on the coding strand, the complement: FBN1 is on the minus strand). VCF-style: chr15-48425462-G-A. GRCh37 (hg19) VCF-style: chr15-48717659-G-A.
Other names: c.7360C>T, p.Pro2454Ser (NM_001406716.1); short protein forms P2454S.
Identifiers: ClinVar variation 3386758 (VCV003386758.1).